The following is an entry in ClinVar:

NM_031206.7(LAS1L):c.386G>A (p.Arg129Lys)

Gene: LAS1L (LAS1 like ribosome biogenesis factor; minus strand). Cytogenetic location: Xq12.
Variant type: single nucleotide variant.
Coding change: c.386G>A on transcript NM_031206.7 (MANE Select); coding-DNA position 386, G replaced by A.
Protein change: p.Arg129Lys; replaces arginine 129 with lysine.
Molecular consequence: missense variant. On other transcripts: 5 prime UTR variant (1), non-coding transcript variant (3).
Genome position (GRCh38, 1-based): chrX:65,532,607, C>T on the plus strand (G>A on the coding strand, the complement: LAS1L is on the minus strand). VCF-style: chrX-65532607-C-T. GRCh37 (hg19) VCF-style: chrX-64752487-C-T.
Other names: c.386G>A, p.Arg129Lys (NM_001170649.2, NM_001375328.1, NM_001375329.1 and 10 more transcripts); c.260G>A, p.Arg87Lys (NM_001170650.2); c.-411G>A (NM_001375332.1); short protein forms R129K, R87K.
Identifiers: ClinVar variation 4088022 (VCV004088022.1).

ClinVar aggregate classification (germline): Uncertain significance (1 of 4 stars; one submission).

Submission:

GeneDx
Classification: Uncertain significance. Last evaluated: 2025-03-26. Review status: criteria provided, single submitter. Criteria: GeneDx Variant Classification Process June 2021. Collection method: clinical testing. Allele origin: germline. Affected: yes.
Comment: Not observed at significant frequency in large population cohorts (gnomAD); In silico analysis indicates that this missense variant does not alter protein structure/function; Has not been previously published as pathogenic or benign to our knowledge